The following is an entry in ClinVar:

NM_014208.3(DSPP):c.2986G>A (p.Asp996Asn)

Genes: DMP1-AS1 (DMP1 and DSPP antisense RNA 1; minus strand), DSPP (dentin sialophosphoprotein; plus strand). Cytogenetic location: 4q22.1.
Variant type: single nucleotide variant.
Coding change: c.2986G>A on transcript NM_014208.3 (MANE Select); coding-DNA position 2986, G replaced by A.
Protein change: p.Asp996Asn; replaces aspartic acid 996 with asparagine.
Molecular consequence: missense variant.
Genome position (GRCh38, 1-based): chr4:87,615,648, G>A. VCF-style: chr4-87615648-G-A. GRCh37 (hg19) VCF-style: chr4-88536800-G-A.
Other names: short protein forms D996N.
Identifiers: ClinVar variation 2654900 (VCV002654900.25), dbSNP rs201678608, ClinGen allele CA3001356.

ClinVar aggregate classification (germline): Likely benign. Review status: criteria provided, multiple submitters, no conflicts (2 of 4 stars). 2 submissions from 2 submitters: Likely benign (2). Last evaluated 2024-11-20.

Allele frequency attached by ClinVar (database versions not stated): ESP Exome Variant Server 0.00140; gnomAD 0.00174; ExAC 0.00178; gnomAD exomes 0.00263; 1000 Genomes Project 0.00938.

Submissions (2):

Blueprint Genetics
Classification: Likely benign. Last evaluated: 2024-11-20. Review status: criteria provided, single submitter. Criteria: ACMG Guidelines, 2015. Collection method: clinical testing. Allele origin: germline.

CeGaT Center for Human Genetics Tuebingen
Classification: Likely benign. Last evaluated: 2024-07-01. Review status: criteria provided, single submitter. Criteria: CeGaT Center For Human Genetics Tuebingen Variant Classification Criteria Version 2. Collection method: clinical testing. Allele origin: germline. Affected: yes. Observed: 2 variant alleles.
Comment: DSPP: BP4, BS1